The following is an entry in ClinVar:

NM_000152.5(GAA):c.-284G>A

Genes: GAA (alpha glucosidase; plus strand), LOC130061897 (ATAC-STARR-seq lymphoblastoid silent region 9099; plus strand). Cytogenetic location: 17q25.3.
Variant type: single nucleotide variant.
Coding change: c.-284G>A on transcript NM_000152.5 (MANE Select); 284 bases upstream of the start codon, G replaced by A.
Molecular consequence: 5 prime UTR variant. On other transcripts: intron variant (2).
Genome position (GRCh38, 1-based): chr17:80,101,639, G>A. VCF-style: chr17-80101639-G-A. GRCh37 (hg19) VCF-style: chr17-78075438-G-A.
Other names: c.-284G>A (LRG_673t1); c.-113+14G>A (NM_001079803.3); c.-33+14G>A (NM_001079804.3).
Identifiers: ClinVar variation 509412 (VCV000509412.1), dbSNP rs1016741188, ClinGen allele CA294884434.

ClinVar aggregate classification (germline): Likely benign (1 of 4 stars; one submission).

Allele frequency attached by ClinVar (database versions not stated): gnomAD 0.00002 and 0.00003; TOPMed 0.00004.
gnomAD v4.1: 4 of 151,558 alleles (0.0026%); highest among the groups gnomAD compares: Non-Finnish European, 0.0059%; no homozygotes.

Submission:

GeneDx
Classification: Likely benign. Last evaluated: 2017-05-08. Review status: criteria provided, single submitter. Criteria: GeneDx Variant Classification (06012015). Collection method: clinical testing. Allele origin: germline. Affected: yes.
Comment: This variant is considered likely benign or benign based on one or more of the following criteria: it is a conservative change, it occurs at a poorly conserved position in the protein, it is predicted to be benign by multiple in silico algorithms, and/or has population frequency not consistent with disease.